The following is an entry in ClinVar:

NM_003823.4(TNFRSF6B):c.513C>G (p.His171Gln)

Genes: RTEL1-TNFRSF6B (RTEL1-TNFRSF6B readthrough (NMD candidate); plus strand), TNFRSF6B (TNF receptor superfamily member 6b; plus strand). Cytogenetic location: 20q13.33.
Variant type: single nucleotide variant.
Coding change: c.513C>G on transcript NM_003823.4 (MANE Select); coding-DNA position 513, C replaced by G.
Protein change: p.His171Gln; replaces histidine 171 with glutamine.
Molecular consequence: missense variant. On other transcripts: non-coding transcript variant (1).
Genome position (GRCh38, 1-based): chr20:63,697,416, C>G. VCF-style: chr20-63697416-C-G. GRCh37 (hg19) VCF-style: chr20-62328769-C-G.
Other names: short protein forms H171Q.
Identifiers: ClinVar variation 3683291 (VCV003683291.2).

ClinVar aggregate classification (germline): Uncertain significance (1 of 4 stars; one submission).

Submission:

Labcorp Genetics (formerly Invitae), Labcorp
Classification: Uncertain significance. Last evaluated: 2024-10-10. Review status: criteria provided, single submitter. Criteria: Invitae Variant Classification Sherloc (09022015). Collection method: clinical testing. Allele origin: germline.
Comment: This sequence change replaces histidine, which is basic and polar, with glutamine, which is neutral and polar, at codon 171 of the TNFRSF6B protein (p.His171Gln). This variant is not present in population databases (gnomAD no frequency). This variant has not been reported in the literature in individuals affected with TNFRSF6B-related conditions. An algorithm developed to predict the effect of missense changes on protein structure and function (PolyPhen-2) suggests that this variant is likely to be disruptive. In summary, the available evidence is currently insufficient to determine the role of this variant in disease. Therefore, it has been classified as a Variant of Uncertain Significance.